The following is an entry in ClinVar:

NM_020937.4(FANCM):c.1805A>G (p.Gln602Arg)

Gene: FANCM (FA complementation group M; plus strand). Cytogenetic location: 14q21.2.
Variant type: single nucleotide variant.
Coding change: c.1805A>G on transcript NM_020937.4 (MANE Select); coding-DNA position 1805, A replaced by G.
Protein change: p.Gln602Arg; replaces glutamine 602 with arginine.
Molecular consequence: missense variant.
Genome position (GRCh38, 1-based): chr14:45,166,966, A>G. VCF-style: chr14-45166966-A-G. GRCh37 (hg19) VCF-style: chr14-45636169-A-G.
Other names: c.1805A>G (NM_020937.3, NM_020937.2); c.1727A>G, p.Gln576Arg (NM_001308133.2); c.1805A>G, p.Gln602Arg (NM_001308134.2); short protein forms Q602R, Q576R.
Identifiers: ClinVar variation 1447638 (VCV001447638.9), dbSNP rs1343909660, ClinGen allele CA389594806.

ClinVar aggregate classification (germline): Uncertain significance. Review status: criteria provided, multiple submitters, no conflicts (2 of 4 stars). 3 submissions from 3 submitters: Uncertain significance (3). Last evaluated 2024-12-31.

Conditions:
Inborn genetic diseases. Identifiers: MedGen C0950123, MeSH D030342.
FANCM-related disorder. Also called: FANCM-related condition.
Fanconi anemia (FA). Also called: Fanconi's anemia. Identifiers: Orphanet 84, MedGen C0015625, MeSH D005199, MONDO:0019391.

Allele frequency attached by ClinVar (database versions not stated): gnomAD exomes below 0.00001; gnomAD 0.00001; TOPMed 0.00001.
gnomAD v4.1: 5 of 1,554,372 alleles (0.00032%); highest among the groups gnomAD compares: Non-Finnish European, 0.00044%; no homozygotes.

Submissions (3):

Ambry Genetics
Classification: Uncertain significance for Inborn genetic diseases. Last evaluated: 2024-12-31. Review status: criteria provided, single submitter. Criteria: Ambry Variant Classification Scheme 2023. Collection method: clinical testing. Allele origin: germline.
Comment: The p.Q602R variant (also known as c.1805A>G), located in coding exon 11 of the FANCM gene, results from an A to G substitution at nucleotide position 1805. The glutamine at codon 602 is replaced by arginine, an amino acid with highly similar properties. This amino acid position is conserved. In addition, the in silico prediction for this alteration is inconclusive. Based on the available evidence, the clinical significance of this variant remains unclear.

Labcorp Genetics (formerly Invitae), Labcorp
Classification: Uncertain significance for Fanconi anemia. Last evaluated: 2024-01-10. Review status: criteria provided, single submitter. Criteria: Invitae Variant Classification Sherloc (09022015). Collection method: clinical testing. Allele origin: germline.
Comment: This sequence change replaces glutamine, which is neutral and polar, with arginine, which is basic and polar, at codon 602 of the FANCM protein (p.Gln602Arg). This variant is not present in population databases (gnomAD no frequency). This variant has not been reported in the literature in individuals affected with FANCM-related conditions. ClinVar contains an entry for this variant (Variation ID: 1447638). An algorithm developed to predict the effect of missense changes on protein structure and function (PolyPhen-2) suggests that this variant is likely to be tolerated. In summary, the available evidence is currently insufficient to determine the role of this variant in disease. Therefore, it has been classified as a Variant of Uncertain Significance.

PreventionGenetics, part of Exact Sciences
Classification: Uncertain significance for FANCM-related condition. Last evaluated: 2023-01-23. Review status: criteria provided, single submitter. Criteria: ACMG Guidelines, 2015. Collection method: clinical testing. Allele origin: germline.
Comment: The FANCM c.1805A>G variant is predicted to result in the amino acid substitution p.Gln602Arg. To our knowledge, this variant has not been reported in the literature or in a large population database, indicating this variant is rare. In ClinVar, this variant is interpreted as uncertain. At this time, the clinical significance of this variant is uncertain due to the absence of conclusive functional and genetic evidence.